The following is an entry in ClinVar:

NM_014244.5(ADAMTS2):c.688+2T>C

Gene: ADAMTS2 (ADAM metallopeptidase with thrombospondin type 1 motif 2; minus strand). Cytogenetic location: 5q35.3.
Variant type: single nucleotide variant.
Coding change: c.688+2T>C on transcript NM_014244.5 (MANE Select); the canonical splice donor site of the intron after coding-DNA position 688, T replaced by C.
Molecular consequence: splice donor variant.
Genome position (GRCh38, 1-based): chr5:179,272,909, A>G on the plus strand (T>C on the coding strand, the complement: ADAMTS2 is on the minus strand). VCF-style: chr5-179272909-A-G. GRCh37 (hg19) VCF-style: chr5-178699910-A-G.
Other names: c.688+2T>C (NM_014244.4, NM_021599.4).
Identifiers: ClinVar variation 1503058 (VCV001503058.8), dbSNP rs1453785436, ClinGen allele CA362426448.

ClinVar aggregate classification (germline): Likely pathogenic. Review status: criteria provided, multiple submitters, no conflicts (2 of 4 stars). 3 submissions from 3 submitters: Likely pathogenic (3). Last evaluated 2025-03-06.

Conditions:
Ehlers-Danlos syndrome, dermatosparaxis type. Also called: Dermatosparaxis; Ehlers-Danlos syndrome, type VII, autosomal recessive; EDS VIIC. Identifiers: Orphanet 1901, MedGen C2700425, MONDO:0009161, OMIM 225410.

Allele frequency attached by ClinVar (database versions not stated): gnomAD 0.00001; gnomAD exomes 0.00001.

Submissions (3):

Women's Health and Genetics/Laboratory Corporation of America, LabCorp
Classification: Likely pathogenic for Ehlers-Danlos syndrome, dermatosparaxis type. Last evaluated: 2025-03-06. Review status: criteria provided, single submitter. Criteria: LabCorp Variant Classification Summary - May 2015. Collection method: clinical testing. Allele origin: germline.
Comment: Variant summary: ADAMTS2 c.688+2T>C is located in a canonical splice-site and is predicted to affect mRNA splicing resulting in a significantly altered protein due to either exon skipping, shortening, or inclusion of intronic material. Variants that disrupt the consensus splice site are a relatively common cause of aberrant splicing and loss of ADAMTS2 function. Several computational tools predict a significant impact on normal splicing: Four predict the variant abolishes a 5' splicing donor site. However, these predictions have yet to be confirmed by functional studies. The variant allele was found at a frequency of 8.1e-06 in 246420 control chromosomes. To our knowledge, no occurrence of c.688+2T>C in individuals affected with Ehlers-Danlos syndrome, dermatosparaxis type and no experimental evidence demonstrating its impact on protein function have been reported. ClinVar contains an entry for this variant (Variation ID: 1503058). Based on the evidence outlined above, the variant was classified as likely pathogenic.

Natera, Inc.
Classification: Likely pathogenic for Ehlers-Danlos syndrome type VIIC. Last evaluated: 2024-02-29. Review status: criteria provided, single submitter. Criteria: Natera Variant Classification Schema (03/2026). Collection method: clinical testing. Allele origin: germline.
Comment: The c.688+2T>C variant in ADAMTS2 is a canonical splice donor site variant predicted to affect pre-mRNA splicing, which may result in an abnormal transcript and altered protein product. This variant is expected to result in nonsense mediated decay, truncation, or a dysfunctional protein product. This variant is rare in the general population with a frequency below the threshold expected for the associated phenotype(s). Given the available evidence, this variant is classified as Likely Pathogenic.

Labcorp Genetics (formerly Invitae), Labcorp
Classification: Likely pathogenic for Ehlers-Danlos syndrome, dermatosparaxis type. Last evaluated: 2022-07-06. Review status: criteria provided, single submitter. Criteria: Invitae Variant Classification Sherloc (09022015). Collection method: clinical testing. Allele origin: germline.
Comment: In summary, the currently available evidence indicates that the variant is pathogenic, but additional data are needed to prove that conclusively. Therefore, this variant has been classified as Likely Pathogenic. Algorithms developed to predict the effect of sequence changes on RNA splicing suggest that this variant may disrupt the consensus splice site. ClinVar contains an entry for this variant (Variation ID: 1503058). This variant has not been reported in the literature in individuals affected with ADAMTS2-related conditions. This variant is present in population databases (no rsID available, gnomAD 0.006%). This sequence change affects a donor splice site in intron 3 of the ADAMTS2 gene. It is expected to disrupt RNA splicing. Variants that disrupt the donor or acceptor splice site typically lead to a loss of protein function (PMID: 16199547), and loss-of-function variants in ADAMTS2 are known to be pathogenic (PMID: 10417273).

Literature cited by the submitters: PubMed 16199547 (cited by Labcorp Genetics (formerly Invitae), Labcorp); PubMed 10417273 (cited by Labcorp Genetics (formerly Invitae), Labcorp).